The following is an entry in ClinVar:

ClinVar aggregate classification (germline): Uncertain significance (1 of 4 stars; one submission).

Allele frequency attached by ClinVar (database versions not stated): gnomAD exomes below 0.00001.

Submission:

Labcorp Genetics (formerly Invitae), Labcorp
Classification: Uncertain significance. Last evaluated: 2024-02-24. Review status: criteria provided, single submitter. Criteria: Invitae Variant Classification Sherloc (09022015). Collection method: clinical testing. Allele origin: germline.
Comment: This sequence change replaces glutamine, which is neutral and polar, with lysine, which is basic and polar, at codon 77 of the NDUFS3 protein (p.Gln77Lys). This variant is not present in population databases (gnomAD no frequency). This variant has not been reported in the literature in individuals affected with NDUFS3-related conditions. ClinVar contains an entry for this variant (Variation ID: 1941501). An algorithm developed to predict the effect of missense changes on protein structure and function (PolyPhen-2) suggests that this variant is likely to be disruptive. In summary, the available evidence is currently insufficient to determine the role of this variant in disease. Therefore, it has been classified as a Variant of Uncertain Significance.

NM_004551.3(NDUFS3):c.229C>A (p.Gln77Lys)

Gene: NDUFS3 (NADH:ubiquinone oxidoreductase core subunit S3; plus strand). Cytogenetic location: 11p11.2.
Variant type: single nucleotide variant.
Coding change: c.229C>A on transcript NM_004551.3 (MANE Select); coding-DNA position 229, C replaced by A.
Protein change: p.Gln77Lys; replaces glutamine 77 with lysine.
Molecular consequence: missense variant.
Genome position (GRCh38, 1-based): chr11:47,580,620, C>A. VCF-style: chr11-47580620-C-A. GRCh37 (hg19) VCF-style: chr11-47602172-C-A.
Other names: short protein forms Q77K.
Identifiers: ClinVar variation 1941501 (VCV001941501.5), dbSNP rs2509730368, ClinGen allele CA380357763.